The following is an entry in ClinVar:

ClinVar aggregate classification (germline): Uncertain significance (1 of 4 stars; one submission).

Submission:

Labcorp Genetics (formerly Invitae), Labcorp
Classification: Uncertain significance. Last evaluated: 2023-08-31. Review status: criteria provided, single submitter. Criteria: Invitae Variant Classification Sherloc (09022015). Collection method: clinical testing. Allele origin: unknown.
Comment: In summary, the available evidence is currently insufficient to determine the role of this variant in disease. Therefore, it has been classified as a Variant of Uncertain Significance. Experimental studies and prediction algorithms are not available or were not evaluated, and the functional significance of this variant is currently unknown. This variant has not been reported in the literature in individuals affected with CTNNB1-related conditions. This variant results in a copy number gain of the genomic region encompassing exon(s) 8-15 of the CTNNB1 gene. This region includes the termination codon of the gene. This copy number gain extends beyond the assayed region for this gene and therefore may encompass additional genes. As the precise location of this event is unknown, it may be in tandem or it may be located elsewhere in the genome.

NC_000003.11:g.(?_41274812)_(41280833_?)dup

Gene: CTNNB1 (catenin beta 1; plus strand). Cytogenetic location: 3p22.1.
Variant type: Duplication.
Identifiers: ClinVar variation 3246981 (VCV003246981.1).